The following is an entry in ClinVar:

NM_004310.5(RHOH):c.401T>C (p.Met134Thr)

Gene: RHOH (ras homolog family member H; plus strand). Cytogenetic location: 4p14.
Variant type: single nucleotide variant.
Coding change: c.401T>C on transcript NM_004310.5 (MANE Select); coding-DNA position 401, T replaced by C.
Protein change: p.Met134Thr; replaces methionine 134 with threonine.
Molecular consequence: missense variant.
Genome position (GRCh38, 1-based): chr4:40,243,787, T>C. VCF-style: chr4-40243787-T-C. GRCh37 (hg19) VCF-style: chr4-40245407-T-C.
Other names: c.401T>C, p.Met134Thr (NM_001278359.2, NM_001278360.2, NM_001278361.2 and 8 more transcripts); short protein forms M134T.
Identifiers: ClinVar variation 1914602 (VCV001914602.4), dbSNP rs747591518, ClinGen allele CA2897767.

ClinVar aggregate classification (germline): Uncertain significance (1 of 4 stars; one submission).

Conditions:
T-cell immunodeficiency with epidermodysplasia verruciformis. Identifiers: Orphanet 324294, MedGen C4749500, MONDO:0017925.

Allele frequency attached by ClinVar (database versions not stated): ExAC 0.00001; gnomAD 0.00001; gnomAD exomes 0.00001; TOPMed 0.00001.

Submission:

Labcorp Genetics (formerly Invitae), Labcorp
Classification: Uncertain significance for T-cell immunodeficiency with epidermodysplasia verruciformis. Last evaluated: 2022-06-08. Review status: criteria provided, single submitter. Criteria: Invitae Variant Classification Sherloc (09022015). Collection method: clinical testing. Allele origin: germline.
Comment: This sequence change replaces methionine, which is neutral and non-polar, with threonine, which is neutral and polar, at codon 134 of the RHOH protein (p.Met134Thr). In summary, the available evidence is currently insufficient to determine the role of this variant in disease. Therefore, it has been classified as a Variant of Uncertain Significance. Algorithms developed to predict the effect of missense changes on protein structure and function (SIFT, PolyPhen-2, Align-GVGD) all suggest that this variant is likely to be tolerated. This variant has not been reported in the literature in individuals affected with RHOH-related conditions. This variant is present in population databases (rs747591518, gnomAD 0.004%).